The following is an entry in ClinVar:

ClinVar aggregate classification (germline): Uncertain significance (1 of 4 stars; one submission).

Conditions:
Progressive familial heart block type IB (PFHB1B). Identifiers: Orphanet 871, MedGen C1970298, MONDO:0011474, OMIM 604559.

Submission:

Labcorp Genetics (formerly Invitae), Labcorp
Classification: Uncertain significance for Progressive familial heart block type IB. Last evaluated: 2023-09-06. Review status: criteria provided, single submitter. Criteria: Invitae Variant Classification Sherloc (09022015). Collection method: clinical testing. Allele origin: germline.
Comment: In summary, the available evidence is currently insufficient to determine the role of this variant in disease. Therefore, it has been classified as a Variant of Uncertain Significance. Algorithms developed to predict the effect of sequence changes on RNA splicing suggest that this variant may disrupt the consensus splice site. This variant has not been reported in the literature in individuals affected with TRPM4-related conditions. This variant is present in population databases (rs761126191, gnomAD 0.001%). This sequence change affects a donor splice site in intron 11 of the TRPM4 gene. It is expected to disrupt RNA splicing. Variants that disrupt the donor or acceptor splice site typically lead to a loss of protein function (PMID: 16199547), however the current clinical and genetic evidence is not sufficient to establish whether loss-of-function variants in TRPM4 cause disease.

Literature cited by the submitters: PubMed 16199547.

NM_017636.4(TRPM4):c.1608+1G>T

Gene: TRPM4 (transient receptor potential cation channel subfamily M member 4; plus strand). Cytogenetic location: 19q13.33.
Variant type: single nucleotide variant.
Coding change: c.1608+1G>T on transcript NM_017636.4 (MANE Select); the canonical splice donor site of the intron after coding-DNA position 1608, G replaced by T.
Molecular consequence: splice donor variant. On other transcripts: intron variant (1).
Genome position (GRCh38, 1-based): chr19:49,182,923, G>T. VCF-style: chr19-49182923-G-T. GRCh37 (hg19) VCF-style: chr19-49686180-G-T.
Other names: c.1263+1G>T (NM_001321281.2); c.1086+1G>T (NM_001321283.2); c.546+1G>T (NM_001321285.2); c.1608+1G>T (NM_001195227.2); c.-1+56G>T (NM_001321282.2).
Identifiers: ClinVar variation 2807437 (VCV002807437.3), dbSNP rs761126191, ClinGen allele CA9569235.